The following is an entry in ClinVar:

NM_004525.3(LRP2):c.631G>A (p.Gly211Ser)

Gene: LRP2 (LDL receptor related protein 2; minus strand). Cytogenetic location: 2q31.1.
Variant type: single nucleotide variant.
Coding change: c.631G>A on transcript NM_004525.3 (MANE Select); coding-DNA position 631, G replaced by A.
Protein change: p.Gly211Ser; replaces glycine 211 with serine.
Molecular consequence: missense variant.
Genome position (GRCh38, 1-based): chr2:169,294,169, C>T on the plus strand (G>A on the coding strand, the complement: LRP2 is on the minus strand). VCF-style: chr2-169294169-C-T. GRCh37 (hg19) VCF-style: chr2-170150679-C-T.
Other names: short protein forms G211S.
Identifiers: ClinVar variation 1023155 (VCV001023155.7), dbSNP rs1281605249, ClinGen allele CA349162038.

ClinVar aggregate classification (germline): Uncertain significance. Review status: criteria provided, multiple submitters, no conflicts (2 of 4 stars). 2 submissions from 2 submitters: Uncertain significance (2). Last evaluated 2023-12-24.

Conditions:
Donnai-Barrow syndrome. Also called: DBS/FOAR SYNDROME; FACIOOCULOACOUSTICORENAL SYNDROME. Identifiers: Orphanet 2143, MedGen C1857277, MONDO:0009104, OMIM 222448.

Allele frequency attached by ClinVar (database versions not stated): TOPMed below 0.00001; gnomAD exomes 0.00001.
gnomAD v4.1: 18 of 1,612,322 alleles (0.0011%); highest among the groups gnomAD compares: Non-Finnish European, 0.0014%; no homozygotes.

Submissions (2):

Fulgent Genetics
Classification: Uncertain significance for Donnai-Barrow syndrome. Last evaluated: 2023-12-24. Review status: criteria provided, single submitter. Criteria: ACMG Guidelines, 2015. Collection method: clinical testing. Allele origin: germline.

Labcorp Genetics (formerly Invitae), Labcorp
Classification: Uncertain significance. Last evaluated: 2022-03-23. Review status: criteria provided, single submitter. Criteria: Invitae Variant Classification Sherloc (09022015). Collection method: clinical testing. Allele origin: germline.
Comment: This sequence change replaces glycine, which is neutral and non-polar, with serine, which is neutral and polar, at codon 211 of the LRP2 protein (p.Gly211Ser). This variant is not present in population databases (gnomAD no frequency). This variant has not been reported in the literature in individuals affected with LRP2-related conditions. ClinVar contains an entry for this variant (Variation ID: 1023155). Advanced modeling of protein sequence and biophysical properties (such as structural, functional, and spatial information, amino acid conservation, physicochemical variation, residue mobility, and thermodynamic stability) performed at Invitae indicates that this missense variant is not expected to disrupt LRP2 protein function. In summary, the available evidence is currently insufficient to determine the role of this variant in disease. Therefore, it has been classified as a Variant of Uncertain Significance.